The following is an entry in ClinVar:

ClinVar aggregate classification (germline): Uncertain significance (1 of 4 stars; one submission).

Submission:

Dasa
Classification: Uncertain significance. Last evaluated: 2026-01-14. Review status: criteria provided, single submitter. Criteria: DASA Assertion Criteria. Collection method: clinical testing. Allele origin: germline.
Comment: NM_001083603.3(PTCH1):c.23G>A (p.Arg8Lys) is a missense variant that results in the substitution of arginine with lysine. This variant is absent from population databases. The currently available literature and clinical evidence are not sufficient to establish a definitive association between this variant and the reported condition. Therefore, this variant is classified as a variant of uncertain significance.

NM_001083603.3(PTCH1):c.23G>A (p.Arg8Lys)

Gene: PTCH1 (patched 1; minus strand). Cytogenetic location: 9q22.32.
Variant type: single nucleotide variant.
Coding change: c.23G>A on transcript NM_001083603.3 (MANE Plus Clinical); coding-DNA position 23, G replaced by A.
Protein change: p.Arg8Lys; replaces arginine 8 with lysine.
Molecular consequence: missense variant. On other transcripts: 5 prime UTR variant (2).
Genome position (GRCh38, 1-based): chr9:95,516,798, C>T on the plus strand (G>A on the coding strand, the complement: PTCH1 is on the minus strand). VCF-style: chr9-95516798-C-T. GRCh37 (hg19) VCF-style: chr9-98279080-C-T.
Other names: c.-327G>A (NM_001083602.3, NM_001354919.2); short protein forms R8K.
Identifiers: ClinVar variation 4881556 (VCV004881556.2).